The following is an entry in ClinVar:

NM_001378030.1(CCDC78):c.1144G>A (p.Ala382Thr)

Gene: CCDC78 (coiled-coil domain containing 78; minus strand). Cytogenetic location: 16p13.3.
Variant type: single nucleotide variant.
Coding change: c.1144G>A on transcript NM_001378030.1 (MANE Select); coding-DNA position 1144, G replaced by A.
Protein change: p.Ala382Thr; replaces alanine 382 with threonine.
Molecular consequence: missense variant. On other transcripts: non-coding transcript variant (5).
Genome position (GRCh38, 1-based): chr16:723,151, C>T on the plus strand (G>A on the coding strand, the complement: CCDC78 is on the minus strand). VCF-style: chr16-723151-C-T. GRCh37 (hg19) VCF-style: chr16-773151-C-T.
Other names: c.1144G>A (NM_001031737.2); c.1144G>A, p.Ala382Thr (NM_001031737.3); c.964G>A, p.Ala322Thr (NM_001378031.1); c.577G>A, p.Ala193Thr (NM_001378033.1); short protein forms A322T, A382T, A193T.
Identifiers: ClinVar variation 1920888 (VCV001920888.6), dbSNP rs753521458, ClinGen allele CA7789149.

ClinVar aggregate classification (germline): Uncertain significance. Review status: criteria provided, multiple submitters, no conflicts (2 of 4 stars). 2 submissions from 2 submitters: Uncertain significance (2). Last evaluated 2025-08-05.

Conditions:
Congenital myopathy with internal nuclei and atypical cores. Also called: Myopathy, centronuclear, 4. Identifiers: Orphanet 319160, MedGen C4707232, MONDO:0013890, OMIM 614807.
Inborn genetic diseases. Identifiers: MedGen C0950123, MeSH D030342.

Allele frequency attached by ClinVar (database versions not stated): ExAC 0.00001; gnomAD 0.00003; TOPMed 0.00007.
gnomAD v4.1: 19 of 1,612,428 alleles (0.0012%); highest among the groups gnomAD compares: African/African-American, 0.0067%; no homozygotes.

Submissions (2):

Ambry Genetics
Classification: Uncertain significance for Inborn genetic diseases. Last evaluated: 2025-08-05. Review status: criteria provided, single submitter. Criteria: Ambry Variant Classification Scheme 2023. Collection method: clinical testing. Allele origin: germline.

Labcorp Genetics (formerly Invitae), Labcorp
Classification: Uncertain significance for Congenital myopathy with internal nuclei and atypical cores. Last evaluated: 2025-03-10. Review status: criteria provided, single submitter. Criteria: Invitae Variant Classification Sherloc (09022015). Collection method: clinical testing. Allele origin: germline.
Comment: This sequence change replaces alanine, which is neutral and non-polar, with threonine, which is neutral and polar, at codon 382 of the CCDC78 protein (p.Ala382Thr). This variant is present in population databases (rs753521458, gnomAD 0.005%). This variant has not been reported in the literature in individuals affected with CCDC78-related conditions. ClinVar contains an entry for this variant (Variation ID: 1920888). Invitae Evidence Modeling of protein sequence and biophysical properties (such as structural, functional, and spatial information, amino acid conservation, physicochemical variation, residue mobility, and thermodynamic stability) indicates that this missense variant is not expected to disrupt CCDC78 protein function with a negative predictive value of 80%. In summary, the available evidence is currently insufficient to determine the role of this variant in disease. Therefore, it has been classified as a Variant of Uncertain Significance.